The following is an entry in ClinVar:

ClinVar aggregate classification (germline): Pathogenic/Likely pathogenic. Review status: criteria provided, multiple submitters, no conflicts (2 of 4 stars). 3 submissions from 3 submitters: Pathogenic (1); Likely pathogenic (2). Last evaluated 2025-07-28.

Conditions:
Usher syndrome type 2A. Also called: RETINAL DISEASE IN USHER SYNDROME TYPE IIA, MODIFIER OF; USHER SYNDROME, TYPE IIA. Identifiers: Orphanet 231178, Orphanet 886, MedGen C1848634, MONDO:0010169, OMIM 276901.
USH2A-related disorder. Also called: USH2A-related condition; USH2A-related disorders. Identifiers: MedGen CN239332.

Submissions (3):

Natera, Inc.
Classification: Likely pathogenic for Usher syndrome type 2A. Last evaluated: 2025-07-28. Review status: criteria provided, single submitter. Criteria: Natera Variant Classification Schema (03/2026). Collection method: clinical testing. Allele origin: germline.
Comment: The c.1387_1405delTATCGTCCTGGATACAATA variant in USH2A is a frameshift variant predicted to shift the reading frame beginning at codon 463 and leads to a stop codon 12 codons downstream. This variant is expected to result in nonsense mediated decay, truncation, or a dysfunctional protein product. This variant is rare in the general population with a frequency below the threshold expected for the associated phenotype(s). Given the available evidence, this variant is classified as Likely Pathogenic.

Myriad Genetics, Inc.
Classification: Pathogenic for USH2A-related disorder. Last evaluated: 2025-06-09. Review status: criteria provided, single submitter. Criteria: Myriad Autosomal Dominant, Autosomal Recessive and X-Linked Classification Criteria (2023). Collection method: clinical testing. Allele origin: unknown.
Comment: NM_206933.2(USH2A):c.1387_1405del19(Y463Tfs*12) is expected to be pathogenic in the context of USH2A-related disorders. This variant is predicted to lead to an abnormal or absent protein product due to the creation of a premature termination codon in USH2A, a gene where loss-of-function variants are known to be pathogenic. Please note: this variant was assessed in the context of healthy population screening.

Blueprint Genetics
Classification: Likely pathogenic for USH2A-related disorders. Last evaluated: 2018-12-14. Review status: criteria provided, single submitter. Criteria: ACMG Guidelines, 2015. Collection method: clinical testing. Allele origin: germline. Affected: yes. Observed: 2 variant alleles.

NM_206933.4(USH2A):c.1387_1405del (p.Tyr463fs)

Gene: USH2A (usherin; minus strand). Cytogenetic location: 1q41.
Variant type: Deletion.
Coding change: c.1387_1405del on transcript NM_206933.4 (MANE Select); coding-DNA positions 1387 to 1405, 19 bases deleted (TATCGTCCTGGATACAATA).
Protein change: p.Tyr463fs; shifts the reading frame from tyrosine 463.
Molecular consequence: frameshift variant.
Genome position (GRCh38, 1-based): chr1:216,323,619-216,323,637, TATTGTATCCAGGACGATA deleted on the plus strand (TATCGTCCTGGATACAATA on the coding strand, the reverse complement: USH2A is on the minus strand). VCF-style (leftmost placement, unchanged base first): chr1-216323618-TTATTGTATCCAGGACGATA-T. GRCh37 (hg19) VCF-style: chr1-216496960-TTATTGTATCCAGGACGATA-T.
Other names: c.1387_1405del, p.Tyr463fs (NM_007123.6); short protein forms Y463fs.
Identifiers: ClinVar variation 4817097 (VCV004817097.3).